The following is an entry in ClinVar:

ClinVar aggregate classification (germline): Uncertain significance (1 of 4 stars; one submission).

Conditions:
Familial adenomatous polyposis 1 (FAP1). Also called: FAMILIAL ADENOMATOUS POLYPOSIS 1, ATTENUATED; POLYPOSIS, ADENOMATOUS INTESTINAL. Identifiers: MedGen C2713442, MONDO:0021056, OMIM 175100. Disease mechanism: loss of function.

gnomAD v4.1: 1 of 1,613,816 alleles (0.000062%); no homozygotes.

Submission:

Labcorp Genetics (formerly Invitae), Labcorp
Classification: Uncertain significance for Familial adenomatous polyposis 1. Last evaluated: 2025-02-11. Review status: criteria provided, single submitter. Criteria: Invitae Variant Classification Sherloc (09022015). Collection method: clinical testing. Allele origin: germline.
Comment: This sequence change replaces asparagine, which is neutral and polar, with isoleucine, which is neutral and non-polar, at codon 32 of the APC protein (p.Asn32Ile). This variant is not present in population databases (gnomAD no frequency). This variant has not been reported in the literature in individuals affected with APC-related conditions. ClinVar contains an entry for this variant (Variation ID: 1039968). Invitae Evidence Modeling of protein sequence and biophysical properties (such as structural, functional, and spatial information, amino acid conservation, physicochemical variation, residue mobility, and thermodynamic stability) indicates that this missense variant is not expected to disrupt APC protein function with a negative predictive value of 95%. In summary, the available evidence is currently insufficient to determine the role of this variant in disease. Therefore, it has been classified as a Variant of Uncertain Significance.

NM_000038.6(APC):c.95A>T (p.Asn32Ile)

Gene: APC (APC regulator of Wnt signaling pathway; plus strand). Cytogenetic location: 5q22.2.
Variant type: single nucleotide variant.
Coding change: c.95A>T on transcript NM_000038.6 (MANE Select); coding-DNA position 95, A replaced by T.
Protein change: p.Asn32Ile; replaces asparagine 32 with isoleucine.
Molecular consequence: missense variant. On other transcripts: 5 prime UTR variant (1), intron variant (8).
Genome position (GRCh38, 1-based): chr5:112,754,985, A>T. VCF-style: chr5-112754985-A-T. GRCh37 (hg19) VCF-style: chr5-112090682-A-T.
Other names: c.95A>T, p.Asn32Ile (NM_001127510.3, NM_001354895.2, NM_001354896.2 and 2 more transcripts); c.-941A>T (NM_001354906.2); c.166-11341A>T (NM_001354897.2, NM_001354902.2, NM_001127511.3); c.61-11341A>T (NM_001354898.2, NM_001354904.2); c.-42-11341A>T (NM_001354900.2, NM_001354901.2, NM_001354905.2); short protein forms N32I.
Identifiers: ClinVar variation 1039968 (VCV001039968.10), dbSNP rs539108537, ClinGen allele CA16021548.
Genomic context (GRCh38, chr5:112,754,985, plus strand): 5'-AAGTTGAGGCACTGAAGATGGAGAACTCAAATCTTCGACAAGAGCTAGAAGATAATTCCA[A>T]TCATCTTACAAAACTGGAAACTGAGGCATCTAATATGAAGGTATCAAGACTGTGACTTTT-3'
Protein context (NP_000029.2, residues 22-42): NLRQELEDNS[Asn32Ile]HLTKLETEAS